The following is an entry in ClinVar:

ClinVar aggregate classification (germline): Benign. Review status: criteria provided, multiple submitters, no conflicts (2 of 4 stars). 4 submissions from 4 submitters: Benign (4). Last evaluated 2026-01-19.

Conditions:
Inborn genetic diseases. Identifiers: MedGen C0950123, MeSH D030342.
Rafiq syndrome (RAFQS). Identifiers: Orphanet 88616, MedGen C3280127, MONDO:0013624, OMIM 614202.

Allele frequency attached by ClinVar (database versions not stated): ESP Exome Variant Server 0.00015; gnomAD exomes 0.00060 and 0.00249; gnomAD 0.00085 and 0.00115; TOPMed 0.00132; ExAC 0.00255; 1000 Genomes Project 30x 0.00656; 1000 Genomes Project 0.00699.
gnomAD v4.1: 1,098 of 1,612,990 alleles (0.068%); highest among the groups gnomAD compares: East Asian, 1.9%; 19 homozygotes.

Submissions (4):

Labcorp Genetics (formerly Invitae), Labcorp
Classification: Benign for Rafiq syndrome. Last evaluated: 2026-01-19. Review status: criteria provided, single submitter. Criteria: Invitae Variant Classification Sherloc (09022015). Collection method: clinical testing. Allele origin: germline.

Illumina Laboratory Services, Illumina
Classification: Benign for Rafiq syndrome. Last evaluated: 2018-01-13. Review status: criteria provided, single submitter. Criteria: ICSL Variant Classification Criteria 13 December 2019. Collection method: clinical testing. Allele origin: germline.
Comment: This variant was observed in the ICSL laboratory as part of a predisposition screen in an ostensibly healthy population. It had not been previously curated by ICSL or reported in the Human Gene Mutation Database (HGMD: prior to June 1st, 2018), and was therefore a candidate for classification through an automated scoring system. Utilizing variant allele frequency, disease prevalence and penetrance estimates, and inheritance mode, an automated score was calculated to assess if this variant is too frequent to cause the disease. Based on the score and internal cut-off values, a variant classified as benign is not then subjected to further curation. The score for this variant resulted in a classification of benign for this disease.

Genetic Services Laboratory, University of Chicago
Classification: Benign. Last evaluated: 2017-07-24. Review status: criteria provided, single submitter. Criteria: ACMG Guidelines, 2015. Collection method: clinical testing. Allele origin: germline. Affected: no.

Ambry Genetics
Classification: Benign for Inborn genetic diseases. Last evaluated: 2016-09-24. Review status: criteria provided, single submitter. Criteria: Ambry Variant Classification Scheme 2023. Collection method: clinical testing. Allele origin: germline.

NM_016219.5(MAN1B1):c.1229G>A (p.Arg410His)

Gene: MAN1B1 (mannosidase alpha class 1B member 1; plus strand). Cytogenetic location: 9q34.3.
Variant type: single nucleotide variant.
Coding change: c.1229G>A on transcript NM_016219.5 (MANE Select); coding-DNA position 1229, G replaced by A.
Protein change: p.Arg410His; replaces arginine 410 with histidine.
Molecular consequence: missense variant. On other transcripts: non-coding transcript variant (2).
Genome position (GRCh38, 1-based): chr9:137,101,647, G>A. VCF-style: chr9-137101647-G-A. GRCh37 (hg19) VCF-style: chr9-139996099-G-A.
Other names: short protein forms R410H.
Identifiers: ClinVar variation 129569 (VCV000129569.23), dbSNP rs145477274, ClinGen allele CA231272.